The following is an entry in ClinVar:

NM_000284.4(PDHA1):c.292-1G>A

Gene: PDHA1 (pyruvate dehydrogenase E1 subunit alpha 1; plus strand). Cytogenetic location: Xp22.12.
Variant type: single nucleotide variant.
Coding change: c.292-1G>A on transcript NM_000284.4 (MANE Select); the canonical splice acceptor site of the intron before coding-DNA position 292, G replaced by A.
Molecular consequence: splice acceptor variant. On other transcripts: synonymous variant (1).
Genome position (GRCh38, 1-based): chrX:19,351,280, G>A. VCF-style: chrX-19351280-G-A. GRCh37 (hg19) VCF-style: chrX-19369398-G-A.
Other names: c.312G>A, p.Gln104= (NM_001173455.2); c.406-1G>A (NM_001173454.2); c.292-1G>A (NM_001173456.2).
Identifiers: ClinVar variation 214939 (VCV000214939.10), dbSNP rs863224149, ClinGen allele CA323036.

ClinVar aggregate classification (germline): Pathogenic. Review status: criteria provided, multiple submitters, no conflicts (2 of 4 stars). 2 submissions from 2 submitters: Pathogenic (2). Last evaluated 2021-02-14.

Conditions:
Pyruvate dehydrogenase E1-alpha deficiency (PDHAD). Also called: ATAXIA, INTERMITTENT, WITH PYRUVATE DEHYDROGENASE DEFICIENCY; ATAXIA WITH LACTIC ACIDOSIS I; ATAXIA, INTERMITTENT, WITH ABNORMAL PYRUVATE METABOLISM; Ataxia, intermittent, with pyruvate dehydrogenase, or decarboxylase, deficiency. Identifiers: Orphanet 79243, MedGen C1839413, MONDO:0010717, OMIM 312170.

Submissions (2):

Labcorp Genetics (formerly Invitae), Labcorp
Classification: Pathogenic for Pyruvate dehydrogenase E1-alpha deficiency. Last evaluated: 2021-02-14. Review status: criteria provided, single submitter. Criteria: Invitae Variant Classification Sherloc (09022015). Collection method: clinical testing. Allele origin: germline.
Comment: Algorithms developed to predict the effect of sequence changes on RNA splicing suggest that this variant may disrupt the consensus splice site, but this prediction has not been confirmed by published transcriptional studies. Disruption of this splice site has been observed in individual(s) with pyruvate dehydrogenase complex deficiency (PMID: 21914562, Invitae). ClinVar contains an entry for this variant (Variation ID: 214939). This variant is not present in population databases (ExAC no frequency). This sequence change affects an acceptor splice site in intron 3 of the PDHA1 gene. It is expected to disrupt RNA splicing. Variants that disrupt the donor or acceptor splice site typically lead to a loss of protein function (PMID: 16199547), and loss-of-function variants in PDHA1 are known to be pathogenic (PMID: 10679936, 21914562). For these reasons, this variant has been classified as Pathogenic.

GeneDx
Classification: Pathogenic. Last evaluated: 2014-08-08. Review status: criteria provided, single submitter. Criteria: GeneDx Variant Classification (06012015). Collection method: clinical testing. Allele origin: germline. Affected: yes.
Comment: c.292-1 G>A: IVS3-1 G>A in intron 3 of the PDHA1 gene (*NM_000284.3) The c.292-1 G>A splice site mutation in the PDHA1 gene destroys the canonical splice acceptor site for exon 4. It is predicted to cause abnormal gene splicing, either leading to an abnormal message that is subject to nonsense-mediated mRNA decay, or to an abnormal protein product if the message is used for protein translation. Although this mutation has not been previously reported to our knowledge, it is expected to be a pathogenic mutation. Males with a disease associated mutation in the PDHA1 gene typically present with severe neonatal lactic acidosis while the presentation in females is more variable and is dependent upon the pattern of X-inactivation. The variant is found in LAPDH-MITOP panel(s).

Literature cited by the submitters: PubMed 21914562 (cited by Labcorp Genetics (formerly Invitae), Labcorp); PubMed 16199547 (cited by Labcorp Genetics (formerly Invitae), Labcorp); PubMed 10679936 (cited by Labcorp Genetics (formerly Invitae), Labcorp).